The following is an entry in ClinVar:

ClinVar aggregate classification (germline): Uncertain significance. Review status: reviewed by expert panel (3 of 4 stars). 4 submissions from 4 submitters: Uncertain significance (1). 3 of the submissions do not count toward it. Last evaluated 2025-08-27.

Conditions:
Hereditary cancer-predisposing syndrome. Also called: Neoplastic Syndromes, Hereditary; Tumor predisposition; Hereditary Cancer Syndrome; Hereditary neoplastic syndrome. Identifiers: Orphanet 140162, MedGen C0027672, MeSH D009386, MONDO:0015356.
BRCA1-related cancer predisposition. Identifiers: MedGen CN377757, MONDO:0700268.
Hereditary breast ovarian cancer syndrome. Also called: Hereditary breast and ovarian cancer syndrome; BRCA1- and BRCA2-Associated Hereditary Breast and Ovarian Cancer; Hereditary breast and ovarian cancer; Hereditary breast and ovarian cancer syndrome (HBOC); Breast and ovarian cancer; Hereditary breast and/or ovarian cancer syndrome. Identifiers: Orphanet 145, MedGen C0677776, MeSH D061325, MONDO:0003582. Disease mechanism: loss of function.

Submissions (4):

ClinGen ENIGMA BRCA1 and BRCA2 Variant Curation Expert Panel, ClinGen
Classification: Uncertain significance for BRCA1-related cancer predisposition. Last evaluated: 2025-08-27. Review status: reviewed by expert panel. Criteria: CSpec BRCA1/2ACMG Rules Specifications V1.2. Collection method: curation. Allele origin: germline. Inheritance: Autosomal dominant inheritance.
Comment: The c.615_622dup variant in BRCA1 is a deletion of 8 nucleotides, predicted to encode a frameshift with consequent premature termination of the protein at codon 29 of the frameshift, or amino acid 236 (p.(Thr208AsnfsTer29)). This insertion variant was not observed in gnomAD v2.1 (exomes only, non-cancer subset) or gnomAD v3.1 (non-cancer subset), but PM2_Supporting was not applied since recall is suboptimal for this type of variant (PM2_Supporting not met). Frameshift variant in Exon 9(10) which is absent from biologically relevant transcript (PVS1_N/A, PM5_N/A). In summary, this variant did not meet any criteria and is classified as a Variant of uncertain significance for BRCA1-related cancer predisposition based on the ACMG/AMP criteria applied as specified by the ENIGMA BRCA1/2 VCEP (v1.2).

Ambry Genetics
Classification: Uncertain significance for Hereditary cancer-predisposing syndrome. Last evaluated: 2024-05-01. Review status: criteria provided, single submitter. Criteria: Ambry Variant Classification Scheme 2023. Collection method: clinical testing. Allele origin: germline. Not counted in ClinVar's aggregate classification.
Comment: The c.615_622dupACAAATCA variant, located in coding exon 8 of the BRCA1 gene, results from a duplication of ACAAATCA at nucleotide position 615, causing a translational frameshift with a predicted alternate stop codon (p.T208Nfs*29). This alteration is expected to result in loss of function by premature protein truncation or nonsense-mediated mRNA decay; however, this variant occurs in an exon excluded from naturally occurring transcripts (Colombo M et al. Hum. Mol. Genet. 2014 Jul;23:3666-80). Since supporting evidence is limited at this time, the clinical significance of this alteration remains unclear.

Color Diagnostics, LLC DBA Color Health
Classification: Uncertain significance for Hereditary cancer-predisposing syndrome. Last evaluated: 2023-09-01. Review status: criteria provided, single submitter. Criteria: ACMG Guidelines, 2015. Collection method: clinical testing. Allele origin: germline. Not counted in ClinVar's aggregate classification.
Comment: This variant inserts 8 nucleotides in exon 9 of the BRCA1 gene, creating a frameshift and premature translation stop signal. This variant is expected to result in the absence of functional full-length protein product, but to our knowledge, functional assays have not been performed. This variant has not been identified in the general population by the Genome Aggregation Database (gnomAD). Truncation variants in the vicinity of exons 8 and 9 have been reported in three individuals affected with high-risk breast cancer and/or ovarian cancer (PMID: 12203997, 12815604, 15642173, 33649982) and in a suspected hereditary breast and ovarian cancer family (PMID: 8764110). In one study, an exon 9 frameshift variant (c.594_597del) has been observed in compound heterozygosity with a known pathogenic missense variant, in an individual diagnosed with Fanconi anemia (PMID: 25472942). This presentation suggests that the exon 9 variant contributed to the development of disease. However, two splicing variants c.591C>T and c.594-2A>C that have been demonstrated to cause a premature translation stop signal and have been reported in individuals affected with breast and ovarian cancer, as well as in healthy unaffected individuals (PMID: 16211554, 19892845, 25639900, 27008870). The case-control, health history, tumor pathology and segregation data for the c.594-2A>C variant either indicate that this variant is not pathogenic or that pathogenicity is inconclusive (PMID: 25639900, 27008870). In these carriers, there is a relative increase in the skipping of exons 8 and 9 by pre-mRNA splicing that is expected to cause a small in-frame deletion of 41 amino acids from the reference protein (1884 amino acids) (PMID: 19892845, 27008870). An interpretation of these findings is that a BRCA1 mRNA isoform lacking exons 8 and 9 is normally produced and is functional. This alternate mRNA isoform is expected to be refractory to frameshift, nonsense and splicing defective variants found in exons 8 and 9 (PMID: 27008870). RNA studies have confirmed the appearance of the skipping of exons 8 and 9 in the majority of individuals tested, however, the degree of expression also appears to be highly variable in individuals (PMID: 24569164, 27008870, 28905878, 32133419). Taken together, the available evidence suggests that the expected deleterious effects of this c.615_622dup variant and other truncation variants occurring in exons 8 and 9 could be ameliorated by the expression of the mRNA isoform lacking exons 8 and 9 that retains normal BRCA1 function. Because of the uncertain clinical consequences of this variant, it is classified as a Variant of Uncertain Significance.

Labcorp Genetics (formerly Invitae), Labcorp
Classification: Uncertain significance for Hereditary breast ovarian cancer syndrome. Last evaluated: 2022-11-01. Review status: criteria provided, single submitter. Criteria: Invitae Variant Classification Sherloc (09022015). Collection method: clinical testing. Allele origin: germline. Not counted in ClinVar's aggregate classification.
Comment: In summary, the available evidence is currently insufficient to determine the role of this variant in disease. Therefore, it has been classified as a Variant of Uncertain Significance. ClinVar contains an entry for this variant (Variation ID: 926510). This variant has not been reported in the literature in individuals affected with BRCA1-related conditions. This variant is not present in population databases (gnomAD no frequency). This sequence change creates a premature translational stop signal (p.Thr208Asnfs*29) in the BRCA1 gene. Loss-of-function variants in BRCA1 are expected to be pathogenic (PMID: 20104584). However, an in-frame BRCA1 isoform lacking exons 8 and 9 (also known as exons 9 and 10) is highly expressed in blood from unaffected individuals and in normal breast tissue; this isoform may retain protein function and could functionally rescue loss-of-function variants within exons 8-9 (PMID: 24569164).

Literature cited by the submitters: PubMed 8764110 (cited by Color Diagnostics, LLC DBA Color Health); PubMed 12203997 (cited by Color Diagnostics, LLC DBA Color Health); PubMed 12815604 (cited by Color Diagnostics, LLC DBA Color Health); PubMed 15642173 (cited by Color Diagnostics, LLC DBA Color Health); PubMed 16211554 (cited by Color Diagnostics, LLC DBA Color Health); PubMed 19892845 (cited by Color Diagnostics, LLC DBA Color Health); PubMed 24569164 (cited by Color Diagnostics, LLC DBA Color Health and Labcorp Genetics (formerly Invitae), Labcorp); PubMed 25472942 (cited by Color Diagnostics, LLC DBA Color Health); PubMed 25639900 (cited by Color Diagnostics, LLC DBA Color Health); PubMed 27008870 (cited by Color Diagnostics, LLC DBA Color Health); PubMed 28905878 (cited by Color Diagnostics, LLC DBA Color Health); PubMed 32133419 (cited by Color Diagnostics, LLC DBA Color Health); PubMed 33649982 (cited by Color Diagnostics, LLC DBA Color Health); PubMed 20104584 (cited by Labcorp Genetics (formerly Invitae), Labcorp).

NM_007294.4(BRCA1):c.615_622dup (p.Thr208fs)

Gene: BRCA1 (BRCA1 DNA repair associated; minus strand). Cytogenetic location: 17q21.31.
Variant type: Duplication.
Coding change: c.615_622dup on transcript NM_007294.4 (MANE Select); coding-DNA positions 615 to 622, 8 bases duplicated (ACAAATCA; older notation c.615_622dupACAAATCA).
Protein change: p.Thr208fs; shifts the reading frame from threonine 208.
Molecular consequence: frameshift variant. On other transcripts: non-coding transcript variant (1).
Genome position (GRCh38, 1-based): chr17:43,095,894-43,095,901, TGATTTGT duplicated on the plus strand (ACAAATCA on the coding strand, the reverse complement: BRCA1 is on the minus strand). VCF-style (leftmost placement, unchanged base first): chr17-43095893-G-GTGATTTGT. GRCh37 (hg19) VCF-style: chr17-41247910-G-GTGATTTGT.
Other names: NM_007294.4(BRCA1):c.615_622dup; p.Thr208fs; c.402_409dup, p.Thr137Asnfs (NM_001407571.1, NM_001407853.1, NM_001407894.1 and 12 more transcripts); c.615_622dup, p.Thr208Asnfs (NM_001407581.1, NM_001407582.1, NM_001407583.1 and 57 more transcripts); c.612_619dup, p.Thr207Asnfs (NM_001407587.1, NM_001407590.1, NM_001407591.1 and 41 more transcripts); c.606_613dup, p.Thr205Asnfs (NM_001407646.1, NM_001407647.1, NM_001408408.1); c.537_544dup, p.Thr182Asnfs (NM_001407653.1, NM_001407654.1, NM_001407655.1 and 9 more transcripts); c.534_541dup, p.Thr181Asnfs (NM_001407659.1, NM_001407660.1, NM_001407661.1 and 3 more transcripts); and 9 more; short protein forms T161fs, T208fs.
Identifiers: ClinVar variation 926510 (VCV000926510.21), dbSNP rs2054115416, ClinGen allele CA1139663116.